The following is an entry in ClinVar:

ClinVar aggregate classification (germline): Uncertain significance (1 of 4 stars; one submission).

Allele frequency attached by ClinVar (database versions not stated): gnomAD exomes below 0.00001 and 0.00001.
gnomAD v4.1: 4 of 1,209,803 alleles (0.00033%); highest among the groups gnomAD compares: Non-Finnish European, 0.00045%; no homozygotes.

Submission:

GeneDx
Classification: Uncertain significance. Last evaluated: 2019-05-08. Review status: criteria provided, single submitter. Criteria: GeneDx Variant Classification Process June 2021. Collection method: clinical testing. Allele origin: germline. Affected: yes.
Comment: Has not been previously published as pathogenic or benign to our knowledge; In silico analysis, which includes protein predictors and evolutionary conservation, supports that this variant does not alter protein structure/function

NM_002025.4(AFF2):c.359A>G (p.Asn120Ser)

Gene: AFF2 (ALF transcription elongation factor 2; plus strand). Cytogenetic location: Xq28.
Variant type: single nucleotide variant.
Coding change: c.359A>G on transcript NM_002025.4 (MANE Select); coding-DNA position 359, A replaced by G.
Protein change: p.Asn120Ser; replaces asparagine 120 with serine.
Molecular consequence: missense variant.
Genome position (GRCh38, 1-based): chrX:148,662,086, A>G. VCF-style: chrX-148662086-A-G. GRCh37 (hg19) VCF-style: chrX-147743607-A-G.
Other names: c.347A>G, p.Asn116Ser (NM_001169122.2, NM_001169123.2, NM_001169125.2); c.359A>G, p.Asn120Ser (NM_001169124.2); short protein forms N116S, N120S.
Identifiers: ClinVar variation 1305523 (VCV001305523.2), dbSNP rs1557257822, ClinGen allele CA414508898.